The following is an entry in ClinVar:

ClinVar aggregate classification (germline): Uncertain significance. Review status: criteria provided, multiple submitters, no conflicts (2 of 4 stars). 2 submissions from 2 submitters: Uncertain significance (2). Last evaluated 2023-09-26.

Conditions:
Inborn genetic diseases. Identifiers: MedGen C0950123, MeSH D030342.

Allele frequency attached by ClinVar (database versions not stated): gnomAD exomes 0.00001; ExAC 0.00002; 1000 Genomes Project 30x 0.00016; 1000 Genomes Project 0.00020.
gnomAD v4.1: 14 of 1,613,508 alleles (0.00087%); highest among the groups gnomAD compares: African/African-American, 0.019%; no homozygotes.

Submissions (2):

Ambry Genetics
Classification: Uncertain significance for Inborn genetic diseases. Last evaluated: 2023-09-26. Review status: criteria provided, single submitter. Criteria: Ambry Variant Classification Scheme 2023. Collection method: clinical testing. Allele origin: germline.

Labcorp Genetics (formerly Invitae), Labcorp
Classification: Uncertain significance. Last evaluated: 2022-09-01. Review status: criteria provided, single submitter. Criteria: Invitae Variant Classification Sherloc (09022015). Collection method: clinical testing. Allele origin: germline.
Comment: This sequence change replaces glycine, which is neutral and non-polar, with valine, which is neutral and non-polar, at codon 3427 of the PCLO protein (p.Gly3427Val). The frequency data for this variant in the population databases is considered unreliable, as metrics indicate poor data quality at this position in the gnomAD database. This variant has not been reported in the literature in individuals affected with PCLO-related conditions. ClinVar contains an entry for this variant (Variation ID: 1512359). Algorithms developed to predict the effect of missense changes on protein structure and function are either unavailable or do not agree on the potential impact of this missense change (SIFT: "Deleterious"; PolyPhen-2: "Not Available"; Align-GVGD: "Class C0"). Algorithms developed to predict the effect of sequence changes on RNA splicing suggest that this variant may create or strengthen a splice site. In summary, the available evidence is currently insufficient to determine the role of this variant in disease. Therefore, it has been classified as a Variant of Uncertain Significance.

NM_033026.6(PCLO):c.10280G>T (p.Gly3427Val)

Gene: PCLO (piccolo presynaptic cytomatrix protein; minus strand). Cytogenetic location: 7q21.11.
Variant type: single nucleotide variant.
Coding change: c.10280G>T on transcript NM_033026.6 (MANE Select); coding-DNA position 10280, G replaced by T.
Protein change: p.Gly3427Val; replaces glycine 3427 with valine.
Molecular consequence: missense variant.
Genome position (GRCh38, 1-based): chr7:82,950,308, C>A on the plus strand (G>T on the coding strand, the complement: PCLO is on the minus strand). VCF-style: chr7-82950308-C-A. GRCh37 (hg19) VCF-style: chr7-82579624-C-A.
Other names: c.10280G>T, p.Gly3427Val (NM_014510.3); c.10280G>T (NM_033026.5); short protein forms G3427V.
Identifiers: ClinVar variation 1512359 (VCV001512359.4), dbSNP rs201777062, ClinGen allele CA4319764.